The following is an entry in ClinVar:

ClinVar aggregate classification (germline): Uncertain significance. Review status: criteria provided, multiple submitters, no conflicts (2 of 4 stars). 4 submissions from 4 submitters: Uncertain significance (4). Last evaluated 2025-05-18.

Conditions:
Cardiomyopathy (CMYO). Also called: Cardiomyopathies. Identifiers: Orphanet 167848, MedGen C0878544, MONDO:0004994, HP:0001638. Inheritance: Various modes of inheritance.
Cardiovascular phenotype. Identifiers: MedGen CN230736.
Hypertrophic cardiomyopathy. Also called: HYPERTROPHIC MYOCARDIOPATHY. Identifiers: Orphanet 217569, MedGen C0007194, MeSH D002312, MONDO:0005045, HP:0001639.

Allele frequency attached by ClinVar (database versions not stated): gnomAD exomes below 0.00001; TOPMed below 0.00001; gnomAD 0.00001.
gnomAD v4.1: 3 of 1,612,890 alleles (0.00019%); highest among the groups gnomAD compares: Middle Eastern, 0.016%; no homozygotes.

Submissions (4):

Ambry Genetics
Classification: Uncertain significance for Cardiovascular phenotype. Last evaluated: 2025-05-18. Review status: criteria provided, single submitter. Criteria: Ambry Variant Classification Scheme 2023. Collection method: clinical testing. Allele origin: germline.
Comment: The p.K380R variant (also known as c.1139A>G), located in coding exon 13 of the MYBPC3 gene, results from an A to G substitution at nucleotide position 1139. The lysine at codon 380 is replaced by arginine, an amino acid with highly similar properties. This amino acid position is conserved. In addition, this alteration is predicted to be tolerated by in silico analysis. Based on the available evidence, the clinical significance of this variant remains unclear.

Labcorp Genetics (formerly Invitae), Labcorp
Classification: Uncertain significance for Hypertrophic cardiomyopathy. Last evaluated: 2025-03-19. Review status: criteria provided, single submitter. Criteria: Invitae Variant Classification Sherloc (09022015). Collection method: clinical testing. Allele origin: germline.
Comment: This sequence change replaces lysine, which is basic and polar, with arginine, which is basic and polar, at codon 380 of the MYBPC3 protein (p.Lys380Arg). This variant is present in population databases (no rsID available, gnomAD 0.003%). This variant has not been reported in the literature in individuals affected with MYBPC3-related conditions. ClinVar contains an entry for this variant (Variation ID: 921755). An algorithm developed to predict the effect of missense changes on protein structure and function outputs the following: PolyPhen-2: "Benign". The arginine amino acid residue is found in multiple mammalian species, which suggests that this missense change does not adversely affect protein function. In summary, the available evidence is currently insufficient to determine the role of this variant in disease. Therefore, it has been classified as a Variant of Uncertain Significance.

All of Us Research Program, National Institutes of Health
Classification: Uncertain significance for Hypertrophic cardiomyopathy. Last evaluated: 2024-06-11. Review status: criteria provided, single submitter. Criteria: ACMG Guidelines, 2015. Collection method: clinical testing. Allele origin: germline. Inheritance: Autosomal dominant inheritance. Observed: 3 variant alleles, 3 heterozygotes.
Comment: This missense variant replaces lysine with arginine at codon 380 of the MYBPC3 protein. Computational prediction suggests that this variant may not impact protein structure and function (internally defined REVEL score threshold <= 0.5, PMID: 27666373). Splice site prediction tools suggest that this variant may not impact RNA splicing. To our knowledge, functional studies have not been reported for this variant. This variant has not been reported in individuals affected with cardiovascular disorders in the literature. This variant has been identified in 1/246762 chromosomes in the general population by the Genome Aggregation Database (gnomAD). The available evidence is insufficient to determine the role of this variant in disease conclusively. Therefore, this variant is classified as a Variant of Uncertain Significance.

This study involves interpretation of variants in research participants for the purpose of population health screening. Participant phenotype was not available at the time of variant classification. Additional details can be found in publication PMID: 35346344, PMCID: PMC8962531

Color Diagnostics, LLC DBA Color Health
Classification: Uncertain significance for Cardiomyopathy. Last evaluated: 2024-03-06. Review status: criteria provided, single submitter. Criteria: ACMG Guidelines, 2015. Collection method: clinical testing. Allele origin: germline.
Comment: This missense variant replaces lysine with arginine at codon 380 of the MYBPC3 protein. Computational prediction suggests that this variant may not impact protein structure and function (internally defined REVEL score threshold <= 0.5, PMID: 27666373). Splice site prediction tools suggest that this variant may not impact RNA splicing. To our knowledge, functional studies have not been reported for this variant. This variant has not been reported in individuals affected with cardiovascular disorders in the literature. This variant has been identified in 1/246762 chromosomes in the general population by the Genome Aggregation Database (gnomAD). The available evidence is insufficient to determine the role of this variant in disease conclusively. Therefore, this variant is classified as a Variant of Uncertain Significance.

NM_000256.3(MYBPC3):c.1139A>G (p.Lys380Arg)

Gene: MYBPC3 (myosin binding protein C3; minus strand). Cytogenetic location: 11p11.2.
Variant type: single nucleotide variant.
Coding change: c.1139A>G on transcript NM_000256.3 (MANE Select); coding-DNA position 1139, A replaced by G.
Protein change: p.Lys380Arg; replaces lysine 380 with arginine.
Molecular consequence: missense variant.
Genome position (GRCh38, 1-based): chr11:47,343,576, T>C on the plus strand (A>G on the coding strand, the complement: MYBPC3 is on the minus strand). VCF-style: chr11-47343576-T-C. GRCh37 (hg19) VCF-style: chr11-47365127-T-C.
Other names: short protein forms K380R.
Identifiers: ClinVar variation 921755 (VCV000921755.15), dbSNP rs1377634776, ClinGen allele CA380329084.